The following is an entry in ClinVar:

ClinVar aggregate classification (germline): Uncertain significance. Review status: criteria provided, multiple submitters, no conflicts (2 of 4 stars). 2 submissions from 2 submitters: Uncertain significance (2). Last evaluated 2024-01-31.

Conditions:
Familial thoracic aortic aneurysm and aortic dissection (TAAD). Also called: Thoracic aortic aneurysms and dissections. Identifiers: Orphanet 91387, MedGen C4707243, MONDO:0019625.
Aortic aneurysm, familial thoracic 7 (AAT7). Also called: AORTIC DISSECTION, FAMILIAL, WITH OR WITHOUT AORTIC ANEURYSM. Identifiers: MedGen C3151077, MONDO:0013418, OMIM 613780.

Allele frequency attached by ClinVar (database versions not stated): gnomAD exomes 0.00001; ExAC 0.00002; gnomAD 0.00004; TOPMed 0.00005.

Submissions (2):

Labcorp Genetics (formerly Invitae), Labcorp
Classification: Uncertain significance for Aortic aneurysm, familial thoracic 7. Last evaluated: 2024-01-31. Review status: criteria provided, single submitter. Criteria: Invitae Variant Classification Sherloc (09022015). Collection method: clinical testing. Allele origin: germline.
Comment: This sequence change replaces threonine, which is neutral and polar, with alanine, which is neutral and non-polar, at codon 381 of the MYLK protein (p.Thr381Ala). This variant is present in population databases (rs762792073, gnomAD 0.01%). This variant has not been reported in the literature in individuals affected with MYLK-related conditions. ClinVar contains an entry for this variant (Variation ID: 1731418). Advanced modeling of protein sequence and biophysical properties (such as structural, functional, and spatial information, amino acid conservation, physicochemical variation, residue mobility, and thermodynamic stability) performed at Invitae indicates that this missense variant is not expected to disrupt MYLK protein function with a negative predictive value of 95%. In summary, the available evidence is currently insufficient to determine the role of this variant in disease. Therefore, it has been classified as a Variant of Uncertain Significance.

Ambry Genetics
Classification: Uncertain significance for Familial thoracic aortic aneurysm and aortic dissection. Last evaluated: 2022-01-05. Review status: criteria provided, single submitter. Criteria: Ambry Variant Classification Scheme 2023. Collection method: clinical testing. Allele origin: germline.
Comment: The p.T381A variant (also known as c.1141A>G), located in coding exon 7 of the MYLK gene, results from an A to G substitution at nucleotide position 1141. The threonine at codon 381 is replaced by alanine, an amino acid with similar properties. This amino acid position is conserved. In addition, this alteration is predicted to be tolerated by in silico analysis. Since supporting evidence is limited at this time, the clinical significance of this alteration remains unclear.

NM_053025.4(MYLK):c.1141A>G (p.Thr381Ala)

Gene: MYLK (myosin light chain kinase; minus strand). Cytogenetic location: 3q21.1.
Variant type: single nucleotide variant.
Coding change: c.1141A>G on transcript NM_053025.4 (MANE Select); coding-DNA position 1141, A replaced by G.
Protein change: p.Thr381Ala; replaces threonine 381 with alanine.
Molecular consequence: missense variant.
Genome position (GRCh38, 1-based): chr3:123,733,855, T>C on the plus strand (A>G on the coding strand, the complement: MYLK is on the minus strand). VCF-style: chr3-123733855-T-C. GRCh37 (hg19) VCF-style: chr3-123452702-T-C.
Other names: c.613A>G, p.Thr205Ala (NM_001321309.2); c.1141A>G, p.Thr381Ala (NM_053026.4, NM_053027.4, NM_053028.4); short protein forms T205A, T381A.
Identifiers: ClinVar variation 1731418 (VCV001731418.5), dbSNP rs762792073, ClinGen allele CA066720.